The following is an entry in ClinVar:

NM_018718.3(CEP41):c.97G>A (p.Gly33Ser)

Gene: CEP41 (centrosomal protein 41; minus strand). Cytogenetic location: 7q32.2.
Variant type: single nucleotide variant.
Coding change: c.97G>A on transcript NM_018718.3 (MANE Select); coding-DNA position 97, G replaced by A.
Protein change: p.Gly33Ser; replaces glycine 33 with serine.
Molecular consequence: missense variant. On other transcripts: non-coding transcript variant (1).
Genome position (GRCh38, 1-based): chr7:130,427,955, C>T on the plus strand (G>A on the coding strand, the complement: CEP41 is on the minus strand). VCF-style: chr7-130427955-C-T. GRCh37 (hg19) VCF-style: chr7-130067796-C-T.
Other names: c.97G>A, p.Gly33Ser (NM_001257158.2, NM_001257160.2); c.97G>A, p.Asp33Asn (NM_001257159.2); short protein forms D33N, G33S.
Identifiers: ClinVar variation 1993349 (VCV001993349.5), dbSNP rs976909451, ClinGen allele CA166871019.

ClinVar aggregate classification (germline): Uncertain significance (1 of 4 stars; one submission).

Conditions:
Joubert syndrome 15 (JBTS15). Identifiers: Orphanet 475, MedGen C3280897, MONDO:0013763, OMIM 614464.

Submissions (2):

Labcorp Genetics (formerly Invitae), Labcorp
Classification: Uncertain significance for Joubert syndrome 15. Last evaluated: 2022-08-08. Review status: criteria provided, single submitter. Criteria: Invitae Variant Classification Sherloc (09022015). Collection method: clinical testing. Allele origin: germline.
Comment: Variants that disrupt the consensus splice site are a relatively common cause of aberrant splicing (PMID: 17576681, 9536098). In summary, the available evidence is currently insufficient to determine the role of this variant in disease. Therefore, it has been classified as a Variant of Uncertain Significance. Algorithms developed to predict the effect of missense changes on protein structure and function are either unavailable or do not agree on the potential impact of this missense change (SIFT: "Deleterious"; PolyPhen-2: "Probably Damaging"; Align-GVGD: "Class C0"). This variant has not been reported in the literature in individuals affected with CEP41-related conditions. This variant is present in population databases (no rsID available, gnomAD 0.003%). This sequence change replaces glycine, which is neutral and non-polar, with serine, which is neutral and polar, at codon 33 of the CEP41 protein (p.Gly33Ser). This variant also falls at the last nucleotide of exon 2, which is part of the consensus splice site for this exon.

Dr. Peter K. Rogan Lab, Western University
No classification provided (evidence only). Condition: Malignant tumor of urinary bladder. Review status: no classification provided. Collection method: in vitro. Allele origin: not applicable. Functional consequence: skipped exon. Not counted in ClinVar's aggregate classification.

Literature cited by the submitters: PubMed 17576681 (cited by Labcorp Genetics (formerly Invitae), Labcorp); PubMed 9536098 (cited by Labcorp Genetics (formerly Invitae), Labcorp).